The following is an entry in ClinVar:

NM_032040.5(CCDC8):c.817_829del (p.Ser273fs)

Gene: CCDC8 (coiled-coil domain containing 8 subunit of 3M complex; minus strand). Cytogenetic location: 19q13.32.
Variant type: Deletion.
Coding change: c.817_829del on transcript NM_032040.5 (MANE Select); coding-DNA positions 817 to 829, 13 bases deleted (TCCTTTCGGCGCC).
Protein change: p.Ser273fs; shifts the reading frame from serine 273.
Molecular consequence: frameshift variant.
Genome position (GRCh38, 1-based): chr19:46,411,982-46,411,994, GGCGCCGAAAGGA deleted on the plus strand (TCCTTTCGGCGCC on the coding strand, the reverse complement: CCDC8 is on the minus strand); deleting any 13 consecutive bases within chr19:46,411,982-46,411,997 gives the same sequence; the c. name uses the placement nearest the transcript's 3' end. VCF-style (leftmost placement, unchanged base first): chr19-46411981-CGGCGCCGAAAGGA-C. GRCh37 (hg19) VCF-style: chr19-46915238-CGGCGCCGAAAGGA-C.
Other names: c.817_829del13 (NM_032040.5); short protein forms S273fs.
Identifiers: ClinVar variation 932012 (VCV000932012.5), dbSNP rs774464372, ClinGen allele CA9528615.

ClinVar aggregate classification (germline): Conflicting classifications of pathogenicity. Review status: criteria provided, conflicting classifications (1 of 4 stars). 2 submissions from 2 submitters: Likely pathogenic (1); Uncertain significance (1). Last evaluated 2025-07-16.

Conditions:
3M syndrome 3. Also called: THREE M SYNDROME 3; 3-M Syndrome, CCDC8-Related. Identifiers: Orphanet 2616, MedGen C3280146, MONDO:0013627, OMIM 614205.

Submissions (2):

Women's Health and Genetics/Laboratory Corporation of America, LabCorp
Classification: Uncertain significance. Last evaluated: 2025-07-16. Review status: criteria provided, single submitter. Criteria: LabCorp Variant Classification Summary - May 2015. Collection method: clinical testing. Allele origin: germline.
Comment: Variant summary: CCDC8 c.817_829del13 (p.Ser273AlafsX32) results in a premature termination codon, predicted to cause a truncation of the encoded protein or absence of the protein due to nonsense mediated decay, however current evidence is not sufficient to establish loss of function as a mechanism for disease. The variant allele was found at a frequency of 8.1e-06 in 246706 control chromosomes. The available data on variant occurrences in the general population are insufficient to allow any conclusion about variant significance. To our knowledge, no occurrence of c.817_829del13 in individuals affected with Three M Syndrome 3 and no experimental evidence demonstrating its impact on protein function have been reported. ClinVar contains an entry for this variant (Variation ID: 932012). Based on the evidence outlined above, the variant was classified as uncertain significance.

Centre for Mendelian Genomics, University Medical Centre Ljubljana
Classification: Likely pathogenic for 3M syndrome 3. Last evaluated: 2016-01-01. Review status: criteria provided, single submitter. Criteria: ACMG Guidelines, 2015. Collection method: clinical testing. Allele origin: unknown. Affected: yes.
Comment: This variant was classified as: Likely pathogenic. The following ACMG criteria were applied in classifying this variant: PVS1,PM2. This variant was detected in homozygous state.